The following is an entry in ClinVar:

NM_013247.5(HTRA2):c.524G>C (p.Arg175Pro)

Gene: HTRA2 (HtrA serine peptidase 2; plus strand). Cytogenetic location: 2p13.1.
Variant type: single nucleotide variant.
Coding change: c.524G>C on transcript NM_013247.5 (MANE Select); coding-DNA position 524, G replaced by C.
Protein change: p.Arg175Pro; replaces arginine 175 with proline.
Molecular consequence: missense variant. On other transcripts: non-coding transcript variant (4).
Genome position (GRCh38, 1-based): chr2:74,530,634, G>C. VCF-style: chr2-74530634-G-C. GRCh37 (hg19) VCF-style: chr2-74757761-G-C.
Other names: c.524G>C, p.Arg175Pro (NM_001321727.1, NM_001321728.1, NM_145074.2); short protein forms R175P.
Identifiers: ClinVar variation 1902701 (VCV001902701.5), dbSNP rs940151700, ClinGen allele CA347378871.

ClinVar aggregate classification (germline): Uncertain significance (1 of 4 stars; one submission).

Allele frequency attached by ClinVar (database versions not stated): gnomAD exomes 0.00001.
gnomAD v4.1: 3 of 1,614,116 alleles (0.00019%); highest among the groups gnomAD compares: Non-Finnish European, 0.00025%; no homozygotes.

Submission:

Labcorp Genetics (formerly Invitae), Labcorp
Classification: Uncertain significance. Last evaluated: 2024-02-17. Review status: criteria provided, single submitter. Criteria: Invitae Variant Classification Sherloc (09022015). Collection method: clinical testing. Allele origin: germline.
Comment: This sequence change replaces arginine, which is basic and polar, with proline, which is neutral and non-polar, at codon 175 of the HTRA2 protein (p.Arg175Pro). This variant is not present in population databases (gnomAD no frequency). This variant has not been reported in the literature in individuals affected with HTRA2-related conditions. ClinVar contains an entry for this variant (Variation ID: 1902701). Advanced modeling of protein sequence and biophysical properties (such as structural, functional, and spatial information, amino acid conservation, physicochemical variation, residue mobility, and thermodynamic stability) performed at Invitae indicates that this missense variant is not expected to disrupt HTRA2 protein function with a negative predictive value of 80%. In summary, the available evidence is currently insufficient to determine the role of this variant in disease. Therefore, it has been classified as a Variant of Uncertain Significance.